The following is an entry in ClinVar:

NM_144997.7(FLCN):c.619-6T>A

Gene: FLCN (folliculin; minus strand). Cytogenetic location: 17p11.2.
Variant type: single nucleotide variant.
Coding change: c.619-6T>A on transcript NM_144997.7 (MANE Select); 6 bases into the intron before coding-DNA position 619, T replaced by A.
Molecular consequence: intron variant.
Genome position (GRCh38, 1-based): chr17:17,222,667, A>T on the plus strand (T>A on the coding strand, the complement: FLCN is on the minus strand). VCF-style: chr17-17222667-A-T. GRCh37 (hg19) VCF-style: chr17-17125981-A-T.
Other names: c.619-6T>A (LRG_325t1, NM_001353231.2, NM_001353230.2 and 1 more transcripts); c.673-6T>A (NM_001353229.2).
Identifiers: ClinVar variation 460624 (VCV000460624.10), dbSNP rs375642836, ClinGen allele CA8416349.

ClinVar aggregate classification (germline): Conflicting classifications of pathogenicity. Review status: criteria provided, conflicting classifications (1 of 4 stars). 2 submissions from 2 submitters: Uncertain significance (1); Likely benign (1). Last evaluated 2026-01-28.

Conditions:
Hereditary cancer-predisposing syndrome. Also called: Hereditary neoplastic syndrome; Neoplastic Syndromes, Hereditary; Tumor predisposition; Hereditary Cancer Syndrome. Identifiers: Orphanet 140162, MedGen C0027672, MeSH D009386, MONDO:0015356.
Birt-Hogg-Dube syndrome. Also called: Birt Hogg Dubé syndrome. Identifiers: Orphanet 122, MedGen C0346010, MONDO:0800444.

Allele frequency attached by ClinVar (database versions not stated): gnomAD exomes below 0.00001; TOPMed below 0.00001; ExAC 0.00001; gnomAD 0.00001; ESP Exome Variant Server 0.00008.
gnomAD v4.1: 23 of 1,614,008 alleles (0.0014%); highest among the groups gnomAD compares: Non-Finnish European, 0.0019%; no homozygotes.

Submissions (2):

Labcorp Genetics (formerly Invitae), Labcorp
Classification: Likely benign for Birt-Hogg-Dube syndrome. Last evaluated: 2026-01-28. Review status: criteria provided, single submitter. Criteria: Invitae Variant Classification Sherloc (09022015). Collection method: clinical testing. Allele origin: germline.

Sema4
Classification: Uncertain significance for Hereditary cancer-predisposing syndrome. Last evaluated: 2021-06-24. Review status: criteria provided, single submitter. Criteria: Sema4 Curation Guidelines. Collection method: curation. Allele origin: germline.
Comment: The FLCN c.619-6T>A variant has not been reported in the literature to our knowledge. It was observed in 1/113690 chromosomes of the European (non-Finnish) subpopulation in the Genome Aggregation Database (PMID: 32461654) and has been reported in ClinVar (Variation ID 460624). In silico tools suggest the variant does not alter splicing, though these predictions have not been confirmed by functional studies. The evidence is insufficient to meet ACMG/AMP criteria for classifying the variant as benign or pathogenic. Thus, the clinical significance of this variant is currently uncertain.